The following is an entry in ClinVar:

NM_001082486.2(ACD):c.1373T>C (p.Met458Thr)

Gene: ACD (ACD shelterin complex subunit and telomerase recruitment factor; minus strand). Cytogenetic location: 16q22.1.
Variant type: single nucleotide variant.
Coding change: c.1373T>C on transcript NM_001082486.2 (MANE Select); coding-DNA position 1373, T replaced by C.
Protein change: p.Met458Thr; replaces methionine 458 with threonine.
Molecular consequence: missense variant.
Genome position (GRCh38, 1-based): chr16:67,657,610, A>G on the plus strand (T>C on the coding strand, the complement: ACD is on the minus strand). VCF-style: chr16-67657610-A-G. GRCh37 (hg19) VCF-style: chr16-67691513-A-G.
Other names: c.1286T>C, p.Met429Thr (NM_001410884.1); c.1364T>C, p.Met455Thr (NM_022914.3); short protein forms M455T, M429T, M458T.
Identifiers: ClinVar variation 2602910 (VCV002602910.2), dbSNP rs1320429671, ClinGen allele CA396349491.
Genomic context (GRCh38, chr16:67,657,610, plus strand): 5'-TATTAAAAAACTCAAAGGAAGCAGAGTGTGGAGCGGTATCTGTCCTGCGTGACGTCTCAC[A>G]TCGGAGTTGGCTCAGACCCTGGCTGTGCATCCATCAGAAAGTGCAAGGCCCAGGCCATGA-3'
Protein context (NP_001075955.2, residues 448-458): DAQPGSEPTP[Met458Thr]

ClinVar aggregate classification (germline): Uncertain significance (1 of 4 stars; one submission).

Conditions:
Inborn genetic diseases. Identifiers: MedGen C0950123, MeSH D030342.

Allele frequency attached by ClinVar (database versions not stated): TOPMed 0.00001.
gnomAD v4.1: 9 of 1,614,200 alleles (0.00056%); highest among the groups gnomAD compares: South Asian, 0.0011%; no homozygotes.

Submission:

Ambry Genetics
Classification: Uncertain significance for Inborn genetic diseases. Last evaluated: 2023-07-01. Review status: criteria provided, single submitter. Criteria: Ambry Variant Classification Scheme 2023. Collection method: clinical testing. Allele origin: germline.
Comment: The p.M544T variant (also known as c.1631T>C), located in coding exon 12 of the ACD gene, results from a T to C substitution at nucleotide position 1631. The methionine at codon 544 is replaced by threonine, an amino acid with similar properties. This amino acid position is conserved. In addition, this alteration is predicted to be tolerated by in silico analysis. Since supporting evidence is limited at this time, the clinical significance of this alteration remains unclear.